The following is an entry in ClinVar:

NM_000088.4(COL1A1):c.2667+1G>T

Gene: COL1A1 (collagen type I alpha 1 chain; minus strand). Cytogenetic location: 17q21.33.
Variant type: single nucleotide variant.
Coding change: c.2667+1G>T on transcript NM_000088.4 (MANE Select); the canonical splice donor site of the intron after coding-DNA position 2667, G replaced by T.
Molecular consequence: splice donor variant.
Genome position (GRCh38, 1-based): chr17:50,189,678, C>A on the plus strand (G>T on the coding strand, the complement: COL1A1 is on the minus strand). VCF-style: chr17-50189678-C-A. GRCh37 (hg19) VCF-style: chr17-48267039-C-A.
Identifiers: ClinVar variation 1454169 (VCV001454169.6), dbSNP rs72653150, ClinGen allele CA400206949.

ClinVar aggregate classification (germline): Pathogenic (1 of 4 stars; one submission).

Conditions:
Osteogenesis imperfecta type I (OI1). Also called: Lobstein disease; Classic Non-deforming Osteogenesis Imperfecta with Blue Sclerae; OI, TYPE I; OSTEOGENESIS IMPERFECTA TARDA; OSTEOGENESIS IMPERFECTA WITH BLUE SCLERAE; Osteogenesis imperfecta type 1. Identifiers: Orphanet 216796, Orphanet 666, MedGen C0023931, MONDO:0008146, OMIM 166200. Disease mechanism: loss of function.

Submission:

Labcorp Genetics (formerly Invitae), Labcorp
Classification: Pathogenic for Osteogenesis imperfecta type I. Last evaluated: 2021-09-10. Review status: criteria provided, single submitter. Criteria: Invitae Variant Classification Sherloc (09022015). Collection method: clinical testing. Allele origin: germline.
Comment: For these reasons, this variant has been classified as Pathogenic. Algorithms developed to predict the effect of sequence changes on RNA splicing suggest that this variant may disrupt the consensus splice site. Disruption of this splice site has been observed in individual(s) with osteogenesis imperfecta (PMID: 16879195, 31363794). This variant is not present in population databases (ExAC no frequency). This sequence change affects a donor splice site in intron 38 of the COL1A1 gene. It is expected to disrupt RNA splicing. Variants that disrupt the donor or acceptor splice site typically lead to a loss of protein function (PMID: 16199547), and loss-of-function variants in COL1A1 are known to be pathogenic (PMID: 7942841, 9295084, 9443882).

Literature cited by the submitters: PubMed 16879195; PubMed 31363794; PubMed 16199547; PubMed 7942841; PubMed 9295084; PubMed 9443882.